The following is an entry in ClinVar:

ClinVar aggregate classification (germline): Pathogenic (1 of 4 stars; one submission).

Submission:

Labcorp Genetics (formerly Invitae), Labcorp
Classification: Pathogenic. Last evaluated: 2023-10-29. Review status: criteria provided, single submitter. Criteria: Invitae Variant Classification Sherloc (09022015). Collection method: clinical testing. Allele origin: germline.
Comment: This sequence change creates a premature translational stop signal (p.Arg606*) in the HELLS gene. It is expected to result in an absent or disrupted protein product. Loss-of-function variants in HELLS are known to be pathogenic (PMID: 26216346). This variant is not present in population databases (gnomAD no frequency). This variant has not been reported in the literature in individuals affected with HELLS-related conditions. Algorithms developed to predict the effect of sequence changes on RNA splicing suggest that this variant may disrupt the consensus splice site. For these reasons, this variant has been classified as Pathogenic.

Literature cited by the submitters: PubMed 26216346.

NM_018063.5(HELLS):c.1816C>T (p.Arg606Ter)

Gene: HELLS (helicase, lymphoid specific; plus strand). Cytogenetic location: 10q23.33.
Variant type: single nucleotide variant.
Coding change: c.1816C>T on transcript NM_018063.5 (MANE Select); coding-DNA position 1816, C replaced by T.
Protein change: p.Arg606Ter; replaces arginine 606 with a stop codon.
Molecular consequence: nonsense.
Genome position (GRCh38, 1-based): chr10:94,592,277, C>T. VCF-style: chr10-94592277-C-T. GRCh37 (hg19) VCF-style: chr10-96352034-C-T.
Other names: c.1954C>T, p.Arg652Ter (NM_001289067.2); c.1768C>T, p.Arg590Ter (NM_001289068.2); c.1720C>T, p.Arg574Ter (NM_001289069.2); c.1522C>T, p.Arg508Ter (NM_001289070.2); c.1444C>T, p.Arg482Ter (NM_001289071.2); c.1426C>T, p.Arg476Ter (NM_001289072.2); c.1402C>T, p.Arg468Ter (NM_001289073.2); c.733C>T, p.Arg245Ter (NM_001289074.2); and 1 more; short protein forms R200*, R606*, R476*, R590*, R468*, R482*, R508*, R652*.
Identifiers: ClinVar variation 2832125 (VCV002832125.3), dbSNP rs2493280297, ClinGen allele CA377667011.